The following is an entry in ClinVar:

NM_005276.4(GPD1):c.407T>C (p.Ile136Thr)

Gene: GPD1 (glycerol-3-phosphate dehydrogenase 1; plus strand). Cytogenetic location: 12q13.12.
Variant type: single nucleotide variant.
Coding change: c.407T>C on transcript NM_005276.4 (MANE Select); coding-DNA position 407, T replaced by C.
Protein change: p.Ile136Thr; replaces isoleucine 136 with threonine.
Molecular consequence: missense variant.
Genome position (GRCh38, 1-based): chr12:50,106,334, T>C. VCF-style: chr12-50106334-T-C. GRCh37 (hg19) VCF-style: chr12-50500117-T-C.
Other names: c.338T>C, p.Ile113Thr (NM_001257199.2); short protein forms I113T, I136T.
Identifiers: ClinVar variation 3101278 (VCV003101278.1), dbSNP rs199902085, ClinGen allele CA6561585.

ClinVar aggregate classification (germline): Uncertain significance (1 of 4 stars; one submission).

Conditions:
Inborn genetic diseases. Identifiers: MedGen C0950123, MeSH D030342.

Allele frequency attached by ClinVar (database versions not stated): ExAC 0.00008; gnomAD 0.00008; gnomAD exomes 0.00011; TOPMed 0.00011; ESP Exome Variant Server 0.00015; 1000 Genomes Project 30x 0.00031; 1000 Genomes Project 0.00040.

Submission:

Ambry Genetics
Classification: Uncertain significance for Inborn genetic diseases. Last evaluated: 2023-10-12. Review status: criteria provided, single submitter. Criteria: Ambry Variant Classification Scheme 2023. Collection method: clinical testing. Allele origin: germline.
Comment: The c.407T>C (p.I136T) alteration is located in coding exon 4 of the GPD1 gene. This alteration results from a T to C substitution at nucleotide position 407, causing the isoleucine (I) at amino acid position 136 to be replaced by a threonine (T). Based on data from gnomAD, the C allele has an overall frequency of 0.009% (25/282146) total alleles studied. The highest observed frequency was 0.017% (22/128864) of European (non-Finnish) alleles. This amino acid position is highly conserved in available vertebrate species. The in silico prediction for this alteration is inconclusive. Based on insufficient or conflicting evidence, the clinical significance of this alteration remains unclear.